The following is an entry in ClinVar:

ClinVar aggregate classification (germline): Pathogenic (1 of 4 stars; one submission).

Conditions:
Familial cancer of breast. Also called: BREAST CANCER, FAMILIAL; hereditary breast carcinoma; Hereditary breast cancer. Identifiers: Orphanet 227535, MedGen C0346153, MONDO:0016419, OMIM 114480. Disease mechanism: loss of function.

Submission:

Labcorp Genetics (formerly Invitae), Labcorp
Classification: Pathogenic for Familial cancer of breast. Last evaluated: 2025-05-23. Review status: criteria provided, single submitter. Criteria: Invitae Variant Classification Sherloc (09022015). Collection method: clinical testing. Allele origin: germline.
Comment: This sequence change falls in intron 12 of the PALB2 gene. It does not directly change the encoded amino acid sequence of the PALB2 protein. RNA analysis indicates that this variant induces altered splicing and likely disrupts the C-terminus of the protein. This variant is not present in population databases (gnomAD no frequency). This variant has not been reported in the literature in individuals affected with PALB2-related conditions. ClinVar contains an entry for this variant (Variation ID: 581074). Variants that disrupt the consensus splice site are a relatively common cause of aberrant splicing (PMID: 17576681, 9536098). Studies have shown that this variant results in skipping of exon 12 and introduces a new termination codon (internal data). However the mRNA is not expected to undergo nonsense-mediated decay. Other variant(s) that result in skipping of exon 12 have been determined to be pathogenic (internal data). This suggests that this variant may also be clinically significant and likely to be disease-causing. For these reasons, this variant has been classified as Pathogenic.

Literature cited by the submitters: PubMed 17576681; PubMed 9536098.

NM_024675.4(PALB2):c.3350+6T>C

Gene: PALB2 (partner and localizer of BRCA2; minus strand). Cytogenetic location: 16p12.2.
Variant type: single nucleotide variant.
Coding change: c.3350+6T>C on transcript NM_024675.4 (MANE Select); 6 bases into the intron after coding-DNA position 3350, T replaced by C.
Molecular consequence: intron variant.
Genome position (GRCh38, 1-based): chr16:23,607,858, A>G on the plus strand (T>C on the coding strand, the complement: PALB2 is on the minus strand). VCF-style: chr16-23607858-A-G. GRCh37 (hg19) VCF-style: chr16-23619179-A-G.
Identifiers: ClinVar variation 581074 (VCV000581074.11), dbSNP rs1567206733, ClinGen allele CA891843570.